The following is an entry in ClinVar:

NM_006231.4(POLE):c.2249A>T (p.Glu750Val)

Gene: POLE (DNA polymerase epsilon, catalytic subunit; minus strand). Cytogenetic location: 12q24.33.
Variant type: single nucleotide variant.
Coding change: c.2249A>T on transcript NM_006231.4 (MANE Select); coding-DNA position 2249, A replaced by T.
Protein change: p.Glu750Val; replaces glutamic acid 750 with valine.
Molecular consequence: missense variant.
Genome position (GRCh38, 1-based): chr12:132,667,573, T>A on the plus strand (A>T on the coding strand, the complement: POLE is on the minus strand). VCF-style: chr12-132667573-T-A. GRCh37 (hg19) VCF-style: chr12-133244159-T-A.
Other names: short protein forms E750V.
Identifiers: ClinVar variation 1387360 (VCV001387360.6), dbSNP rs2135970182, ClinGen allele CA387352215.

ClinVar aggregate classification (germline): Uncertain significance (1 of 4 stars; one submission).

Submission:

Labcorp Genetics (formerly Invitae), Labcorp
Classification: Uncertain significance. Last evaluated: 2021-10-15. Review status: criteria provided, single submitter. Criteria: Invitae Variant Classification Sherloc (09022015). Collection method: clinical testing. Allele origin: germline.
Comment: This sequence change replaces glutamic acid with valine at codon 750 of the POLE protein (p.Glu750Val). The glutamic acid residue is highly conserved and there is a moderate physicochemical difference between glutamic acid and valine. In summary, the available evidence is currently insufficient to determine the role of this variant in disease. Therefore, it has been classified as a Variant of Uncertain Significance. Algorithms developed to predict the effect of sequence changes on RNA splicing suggest that this variant may create or strengthen a splice site. Algorithms developed to predict the effect of missense changes on protein structure and function (SIFT, PolyPhen-2, Align-GVGD) all suggest that this variant is likely to be disruptive. This variant has not been reported in the literature in individuals affected with POLE-related conditions. This variant is not present in population databases (ExAC no frequency).